The following is an entry in ClinVar:

ClinVar aggregate classification (germline): Uncertain significance (1 of 4 stars; one submission).

Conditions:
Inborn genetic diseases. Identifiers: MedGen C0950123, MeSH D030342.

gnomAD v4.1: 14 of 1,613,988 alleles (0.00087%); highest among the groups gnomAD compares: Non-Finnish European, 0.0012%; no homozygotes.

Submission:

Ambry Genetics
Classification: Uncertain significance for Inborn genetic diseases. Last evaluated: 2025-01-31. Review status: criteria provided, single submitter. Criteria: Ambry Variant Classification Scheme 2023. Collection method: clinical testing. Allele origin: germline.
Comment: The p.I77T variant (also known as c.230T>C), located in coding exon 1 of the MEFV gene, results from a T to C substitution at nucleotide position 230. The isoleucine at codon 77 is replaced by threonine, an amino acid with similar properties. This amino acid position is conserved. In addition, in silico predictors for this gene do not accurately predict pathogenicity. Based on the available evidence, the clinical significance of this variant remains unclear.

NM_000243.3(MEFV):c.230T>C (p.Ile77Thr)

Gene: MEFV (MEFV innate immunity regulator, pyrin; minus strand). Cytogenetic location: 16p13.3.
Variant type: single nucleotide variant.
Coding change: c.230T>C on transcript NM_000243.3 (MANE Select); coding-DNA position 230, T replaced by C.
Protein change: p.Ile77Thr; replaces isoleucine 77 with threonine.
Molecular consequence: missense variant.
Genome position (GRCh38, 1-based): chr16:3,256,358, A>G on the plus strand (T>C on the coding strand, the complement: MEFV is on the minus strand). VCF-style: chr16-3256358-A-G. GRCh37 (hg19) VCF-style: chr16-3306358-A-G.
Other names: c.230T>C, p.Ile77Thr (NM_001198536.2); short protein forms I77T.
Identifiers: ClinVar variation 3872097 (VCV003872097.1).